The following is an entry in ClinVar:

NM_213599.3(ANO5):c.1468A>T (p.Thr490Ser)

Gene: ANO5 (anoctamin 5; plus strand). Cytogenetic location: 11p14.3.
Variant type: single nucleotide variant.
Coding change: c.1468A>T on transcript NM_213599.3 (MANE Select); coding-DNA position 1468, A replaced by T.
Protein change: p.Thr490Ser; replaces threonine 490 with serine.
Molecular consequence: missense variant.
Genome position (GRCh38, 1-based): chr11:22,259,579, A>T. VCF-style: chr11-22259579-A-T. GRCh37 (hg19) VCF-style: chr11-22281125-A-T.
Other names: c.1465A>T, p.Thr489Ser (NM_001142649.2); short protein forms T489S, T490S.
Identifiers: ClinVar variation 839005 (VCV000839005.11), dbSNP rs375611559, ClinGen allele CA5923267.

ClinVar aggregate classification (germline): Uncertain significance. Review status: criteria provided, multiple submitters, no conflicts (2 of 4 stars). 2 submissions from 2 submitters: Uncertain significance (2). Last evaluated 2025-04-11.

Conditions:
Autosomal recessive limb-girdle muscular dystrophy type 2L (LGMDR12). Also called: Limb-girdle muscular dystrophy, type 2L; MUSCULAR DYSTROPHY, LIMB-GIRDLE, AUTOSOMAL RECESSIVE 12; Limb-Girdle Muscular Dystrophy R12 Anoctamin-5-Related (LGMD-R12). Identifiers: Orphanet 206549, MedGen C1969785, MONDO:0012652, OMIM 611307.
Gnathodiaphyseal dysplasia (GDD). Also called: GNATHODIAPHYSEAL SCLEROSIS; OSTEOGENESIS IMPERFECTA WITH UNUSUAL SKELETAL LESIONS. Identifiers: Orphanet 53697, MedGen C1833736, MONDO:0008151, OMIM 166260.
ANO5-related disorder. Also called: ANO5-related condition; ANO5-related disorders. Identifiers: MedGen CN239193.

Allele frequency attached by ClinVar (database versions not stated): TOPMed 0.00002.
gnomAD v4.1: 11 of 1,614,012 alleles (0.00068%); highest among the groups gnomAD compares: Non-Finnish European, 0.00085%; no homozygotes.

Submissions (2):

Labcorp Genetics (formerly Invitae), Labcorp
Classification: Uncertain significance for Autosomal recessive limb-girdle muscular dystrophy type 2L; Gnathodiaphyseal dysplasia. Last evaluated: 2025-04-11. Review status: criteria provided, single submitter. Criteria: Invitae Variant Classification Sherloc (09022015). Collection method: clinical testing. Allele origin: germline.
Comment: This sequence change replaces threonine, which is neutral and polar, with serine, which is neutral and polar, at codon 490 of the ANO5 protein (p.Thr490Ser). This variant is present in population databases (rs375611559, gnomAD 0.003%). This variant has not been reported in the literature in individuals affected with ANO5-related conditions. ClinVar contains an entry for this variant (Variation ID: 839005). Invitae Evidence Modeling of protein sequence and biophysical properties (such as structural, functional, and spatial information, amino acid conservation, physicochemical variation, residue mobility, and thermodynamic stability) indicates that this missense variant is not expected to disrupt ANO5 protein function with a negative predictive value of 80%. In summary, the available evidence is currently insufficient to determine the role of this variant in disease. Therefore, it has been classified as a Variant of Uncertain Significance.

PreventionGenetics, part of Exact Sciences
Classification: Uncertain significance for ANO5-related condition. Last evaluated: 2025-03-20. Review status: criteria provided, single submitter. Criteria: ACMG Guidelines, 2015. Collection method: clinical testing. Allele origin: germline.
Comment: The ANO5 c.1468A>T variant is predicted to result in the amino acid substitution p.Thr490Ser. To our knowledge, this variant has not been reported in the literature. This variant is reported in 0.0026% of alleles in individuals of European (Non-Finnish) descent in gnomAD. At this time, the clinical significance of this variant is uncertain due to the absence of conclusive functional and genetic evidence.